The following is an entry in ClinVar:

ClinVar aggregate classification (germline): Uncertain significance (1 of 4 stars; one submission).

Allele frequency attached by ClinVar (database versions not stated): gnomAD 0.00001; gnomAD exomes 0.00001.
gnomAD v4.1: 11 of 1,602,988 alleles (0.00069%); highest among the groups gnomAD compares: African/African-American, 0.0013%; no homozygotes.

Submission:

GeneDx
Classification: Uncertain significance. Last evaluated: 2020-02-14. Review status: criteria provided, single submitter. Criteria: GeneDx Variant Classification Process June 2021. Collection method: clinical testing. Allele origin: germline. Affected: yes.
Comment: Not observed in large population cohorts (Lek et al., 2016); Has not been previously published as pathogenic or benign to our knowledge; Variants in candidate genes are classified as variants of uncertain significance in accordance with ACMG guidelines (Richards et al., 2015); In silico analysis, which includes splice predictors and evolutionary conservation, suggests this variant may impact gene splicing. In the absence of RNA/functional studies, the actual effect of this sequence change is unknown.

NM_020719.3(PRR12):c.5868+5G>T

Gene: PRR12 (proline rich 12; plus strand). Cytogenetic location: 19q13.33.
Variant type: single nucleotide variant.
Coding change: c.5868+5G>T on transcript NM_020719.3 (MANE Select); 5 bases into the intron after coding-DNA position 5868, G replaced by T.
Molecular consequence: intron variant.
Genome position (GRCh38, 1-based): chr19:49,624,995, G>T. VCF-style: chr19-49624995-G-T. GRCh37 (hg19) VCF-style: chr19-50128252-G-T.
Identifiers: ClinVar variation 1315236 (VCV001315236.2), dbSNP rs1338204759, ClinGen allele CA996714217.